The following is an entry in ClinVar:

NM_014974.3(DIP2C):c.4532A>G (p.Tyr1511Cys)

Gene: DIP2C (DIP2 acetate--CoA ligase C (putative); minus strand). Cytogenetic location: 10p15.3.
Variant type: single nucleotide variant.
Coding change: c.4532A>G on transcript NM_014974.3 (MANE Select); coding-DNA position 4532, A replaced by G.
Protein change: p.Tyr1511Cys; replaces tyrosine 1511 with cysteine.
Molecular consequence: missense variant.
Genome position (GRCh38, 1-based): chr10:277,464, T>C on the plus strand (A>G on the coding strand, the complement: DIP2C is on the minus strand). VCF-style: chr10-277464-T-C. GRCh37 (hg19) VCF-style: chr10-323404-T-C.
Other names: short protein forms Y1511C.
Identifiers: ClinVar variation 4779914 (VCV004779914.1).
Genomic context (GRCh38, chr10:277,464, plus strand): 5'-CCACGGGAGTTGATGGGGATGACGCCGATGTCCACCACGACCACCACTCCGACGATCAGG[T>C]AGTGCTCCTCCAGGACCACGTTGGTCACCAAGGGAACCAGGTCCAAGGCTTCTTGTTCCG-3'
Protein context (NP_055789.1, residues 1501-1521): LVTNVVLEEH[Tyr1511Cys]LIVGVVVVVD

ClinVar aggregate classification (germline): Uncertain significance (1 of 4 stars; one submission).

Submission:

Labcorp Genetics (formerly Invitae), Labcorp
Classification: Uncertain significance. Last evaluated: 2025-05-08. Review status: criteria provided, single submitter. Criteria: Invitae Variant Classification Sherloc (09022015). Collection method: clinical testing. Allele origin: germline.
Comment: This sequence change replaces tyrosine, which is neutral and polar, with cysteine, which is neutral and slightly polar, at codon 1511 of the DIP2C protein (p.Tyr1511Cys). This variant is not present in population databases (gnomAD no frequency). This variant has not been reported in the literature in individuals affected with DIP2C-related conditions. An algorithm developed to predict the effect of missense changes on protein structure and function (PolyPhen-2) suggests that this variant is likely to be disruptive. In summary, the available evidence is currently insufficient to determine the role of this variant in disease. Therefore, it has been classified as a Variant of Uncertain Significance.